The following is an entry in ClinVar:

NM_001127222.2(CACNA1A):c.2504C>T (p.Thr835Ile)

Gene: CACNA1A (calcium voltage-gated channel subunit alpha1 A; minus strand). Cytogenetic location: 19p13.13.
Variant type: single nucleotide variant.
Coding change: c.2504C>T on transcript NM_001127222.2 (MANE Select); coding-DNA position 2504, C replaced by T.
Protein change: p.Thr835Ile; replaces threonine 835 with isoleucine.
Molecular consequence: missense variant.
Genome position (GRCh38, 1-based): chr19:13,299,129, G>A on the plus strand (C>T on the coding strand, the complement: CACNA1A is on the minus strand). VCF-style: chr19-13299129-G-A. GRCh37 (hg19) VCF-style: chr19-13409943-G-A.
Other names: c.2516C>T, p.Thr839Ile (NM_000068.4, NM_023035.3); c.2507C>T, p.Thr836Ile (NM_001127221.2, NM_001174080.2); short protein forms T835I, T836I, T839I.
Identifiers: ClinVar variation 4976389 (VCV004976389.1).

ClinVar aggregate classification (germline): Uncertain significance (1 of 4 stars; one submission).

Submission:

GeneDx
Classification: Uncertain significance. Last evaluated: 2026-02-12. Review status: criteria provided, single submitter. Criteria: GeneDx Variant Classification Process June 2021. Collection method: clinical testing. Allele origin: germline.
Comment: Not observed at significant frequency in large population cohorts (gnomAD); In silico analysis supports that this missense variant has a deleterious effect on protein structure/function; Has not been previously published as pathogenic or benign to our knowledge